The following is an entry in ClinVar:

ClinVar aggregate classification (germline): Uncertain significance (1 of 4 stars; one submission).

gnomAD v4.1: 3 of 1,600,706 alleles (0.00019%); highest among the groups gnomAD compares: Admixed American, 0.0017%; no homozygotes.

Submission:

Labcorp Genetics (formerly Invitae), Labcorp
Classification: Uncertain significance. Last evaluated: 2024-02-24. Review status: criteria provided, single submitter. Criteria: Invitae Variant Classification Sherloc (09022015). Collection method: clinical testing. Allele origin: germline.
Comment: This sequence change replaces arginine, which is basic and polar, with lysine, which is basic and polar, at codon 42 of the LRRC56 protein (p.Arg42Lys). This variant is present in population databases (no rsID available, gnomAD 0.007%). This variant has not been reported in the literature in individuals affected with LRRC56-related conditions. ClinVar contains an entry for this variant (Variation ID: 2007679). An algorithm developed to predict the effect of missense changes on protein structure and function (PolyPhen-2) suggests that this variant is likely to be tolerated. In summary, the available evidence is currently insufficient to determine the role of this variant in disease. Therefore, it has been classified as a Variant of Uncertain Significance.

NM_198075.4(LRRC56):c.125G>A (p.Arg42Lys)

Gene: LRRC56 (leucine rich repeat containing 56; plus strand). Cytogenetic location: 11p15.5.
Variant type: single nucleotide variant.
Coding change: c.125G>A on transcript NM_198075.4 (MANE Select); coding-DNA position 125, G replaced by A.
Protein change: p.Arg42Lys; replaces arginine 42 with lysine.
Molecular consequence: missense variant.
Genome position (GRCh38, 1-based): chr11:540,809, G>A. VCF-style: chr11-540809-G-A. GRCh37 (hg19) VCF-style: chr11-540809-G-A.
Other names: short protein forms R42K.
Identifiers: ClinVar variation 2007679 (VCV002007679.4), dbSNP rs1056311315, ClinGen allele CA216887281.
Genomic context (GRCh38, chr11:540,809, plus strand): 5'-AGCTGAGCTGGCAAGGCCTGCACAACCCCTGCCCACAGAGCAAGGGCCCTGGCAGTCAGA[G>A]GGACAGACTTGGAGAGCAGCTGGTGGAAGAGTACCTGTCCCCTGCCCGGCTGGTGAGTGT-3'
Protein context (NP_932341.1, residues 32-52): CPQSKGPGSQ[Arg42Lys]DRLGEQLVEE